The following is an entry in ClinVar:

NM_199420.4(POLQ):c.253C>T (p.His85Tyr)

Gene: POLQ (DNA polymerase theta; minus strand). Cytogenetic location: 3q13.33.
Variant type: single nucleotide variant.
Coding change: c.253C>T on transcript NM_199420.4 (MANE Select); coding-DNA position 253, C replaced by T.
Protein change: p.His85Tyr; replaces histidine 85 with tyrosine.
Molecular consequence: missense variant.
Genome position (GRCh38, 1-based): chr3:121,544,817, G>A on the plus strand (C>T on the coding strand, the complement: POLQ is on the minus strand). VCF-style: chr3-121544817-G-A. GRCh37 (hg19) VCF-style: chr3-121263664-G-A.
Other names: short protein forms H85Y.
Identifiers: ClinVar variation 1792799 (VCV001792799.2), dbSNP rs2546827935, ClinGen allele CA354094603.

ClinVar aggregate classification (germline): Uncertain significance (1 of 4 stars; one submission).

gnomAD v4.1: 9 of 1,612,126 alleles (0.00056%); highest among the groups gnomAD compares: Non-Finnish European, 0.00076%; no homozygotes.

Submission:

Ambry Genetics
Classification: Uncertain significance. Last evaluated: 2021-08-06. Review status: criteria provided, single submitter. Criteria: Ambry Variant Classification Scheme 2023. Collection method: clinical testing. Allele origin: germline.
Comment: The p.H85Y variant (also known as c.253C>T), located in coding exon 2 of the POLQ gene, results from a C to T substitution at nucleotide position 253. The histidine at codon 85 is replaced by tyrosine, an amino acid with similar properties. This amino acid position is conserved. In addition, this alteration is predicted to be tolerated by in silico analysis. Since supporting evidence is limited at this time, the clinical significance of this alteration remains unclear.